The following is an entry in ClinVar:

NM_000038.6(APC):c.3806T>C (p.Ile1269Thr)

Gene: APC (APC regulator of Wnt signaling pathway; plus strand). Cytogenetic location: 5q22.2.
Variant type: single nucleotide variant.
Coding change: c.3806T>C on transcript NM_000038.6 (MANE Select); coding-DNA position 3806, T replaced by C.
Protein change: p.Ile1269Thr; replaces isoleucine 1269 with threonine.
Molecular consequence: missense variant.
Genome position (GRCh38, 1-based): chr5:112,839,400, T>C. VCF-style: chr5-112839400-T-C. GRCh37 (hg19) VCF-style: chr5-112175097-T-C.
Other names: c.3731T>C, p.Ile1244Thr (NM_001354898.2); c.3629T>C, p.Ile1210Thr (NM_001354901.2); c.3533T>C, p.Ile1178Thr (NM_001354902.2); c.3683T>C, p.Ile1228Thr (NM_001354900.2); c.3722T>C, p.Ile1241Thr (NM_001354899.2); c.3806T>C, p.Ile1269Thr (NM_001127510.3, NM_001354895.2); c.3752T>C, p.Ile1251Thr (NM_001127511.3); c.3860T>C, p.Ile1287Thr (NM_001354896.2); and 5 more; short protein forms I1210T, I1244T, I1251T, I986T, I1109T, I1168T, I1241T, I1269T.
Identifiers: ClinVar variation 824243 (VCV000824243.7), dbSNP rs1580640391, ClinGen allele CA16029683.
Genomic context (GRCh38, chr5:112,839,400, plus strand): 5'-GCAAAGTTTCTTCTATTAACCAAGAAACAATACAGACTTATTGTGTAGAAGATACTCCAA[T>C]ATGTTTTTCAAGATGTAGTTCATTATCATCTTTGTCATCAGCTGAAGATGAAATAGGATG-3'
Protein context (NP_000029.2, residues 1259-1279): IQTYCVEDTP[Ile1269Thr]CFSRCSSLSS

ClinVar aggregate classification (germline): Uncertain significance. Review status: criteria provided, multiple submitters, no conflicts (2 of 4 stars). 2 submissions from 2 submitters: Uncertain significance (2). Last evaluated 2023-01-20.

Conditions:
Hereditary cancer-predisposing syndrome. Also called: Neoplastic Syndromes, Hereditary; Tumor predisposition; Hereditary neoplastic syndrome; Hereditary Cancer Syndrome. Identifiers: Orphanet 140162, MedGen C0027672, MeSH D009386, MONDO:0015356.
Familial adenomatous polyposis 1 (FAP1). Also called: POLYPOSIS, ADENOMATOUS INTESTINAL; FAMILIAL ADENOMATOUS POLYPOSIS 1, ATTENUATED. Identifiers: MedGen C2713442, MONDO:0021056, OMIM 175100. Disease mechanism: loss of function.

Submissions (2):

Labcorp Genetics (formerly Invitae), Labcorp
Classification: Uncertain significance for Familial adenomatous polyposis 1. Last evaluated: 2023-01-20. Review status: criteria provided, single submitter. Criteria: Invitae Variant Classification Sherloc (09022015). Collection method: clinical testing. Allele origin: germline.
Comment: In summary, the available evidence is currently insufficient to determine the role of this variant in disease. Therefore, it has been classified as a Variant of Uncertain Significance. Advanced modeling of protein sequence and biophysical properties (such as structural, functional, and spatial information, amino acid conservation, physicochemical variation, residue mobility, and thermodynamic stability) performed at Invitae indicates that this missense variant is not expected to disrupt APC protein function. ClinVar contains an entry for this variant (Variation ID: 824243). This variant has not been reported in the literature in individuals affected with APC-related conditions. This variant is not present in population databases (gnomAD no frequency). This sequence change replaces isoleucine, which is neutral and non-polar, with threonine, which is neutral and polar, at codon 1269 of the APC protein (p.Ile1269Thr).

Ambry Genetics
Classification: Uncertain significance for Hereditary cancer-predisposing syndrome. Last evaluated: 2018-12-31. Review status: criteria provided, single submitter. Criteria: Ambry Variant Classification Scheme 2023. Collection method: clinical testing. Allele origin: germline.
Comment: The p.I1269T variant (also known as c.3806T>C), located in coding exon 15 of the APC gene, results from a T to C substitution at nucleotide position 3806. The isoleucine at codon 1269 is replaced by threonine, an amino acid with similar properties. This amino acid position is highly conserved in available vertebrate species. In addition, in silico predictors for this gene do not accurately predict pathogenicity. Since supporting evidence is limited at this time, the clinical significance of this alteration remains unclear.